The following is an entry in ClinVar:

ClinVar aggregate classification (germline): Benign. Review status: criteria provided, multiple submitters, no conflicts (2 of 4 stars). 3 submissions from 2 submitters: Benign (3). Last evaluated 2018-01-13.

Conditions:
Platelet-type bleeding disorder 9 (BDPLT9). Also called: GLYCOPROTEIN Ia DEFICIENCY; GP Ia DEFICIENCY; COLLAGEN PLATELET RECEPTOR DEFICIENCY. Identifiers: Orphanet 73271, Orphanet 98886, MedGen C3280114, MONDO:0013622, OMIM 614200.
Sulfite oxidase deficiency due to molybdenum cofactor deficiency type B1 (MOCODB1). Also called: MOLYBDENUM COFACTOR DEFICIENCY, TYPE B1; Molybdenum cofactor deficiency, complementation group B; Sulfite oxidase deficiency due to molybdenum cofactor deficiency type B; Molybdenum cofactor deficiency B. Identifiers: Orphanet 308393, Orphanet 833, MedGen C6065887, MONDO:0009644, OMIM 252160.

Allele frequency attached by ClinVar (database versions not stated): 1000 Genomes Project 30x 0.10384; gnomAD 0.11125 and 0.11337; TOPMed 0.11646; 1000 Genomes Project 0.10383.

Submissions (3):

Illumina Laboratory Services, Illumina
Classification: Benign for Sulfite oxidase deficiency due to molybdenum cofactor deficiency type B1. Last evaluated: 2018-01-13. Review status: criteria provided, single submitter. Criteria: ICSL Variant Classification Criteria 13 December 2019. Collection method: clinical testing. Allele origin: germline.
Comment: This variant was observed in the ICSL laboratory as part of a predisposition screen in an ostensibly healthy population. It had not been previously curated by ICSL or reported in the Human Gene Mutation Database (HGMD: prior to June 1st, 2018), and was therefore a candidate for classification through an automated scoring system. Utilizing variant allele frequency, disease prevalence and penetrance estimates, and inheritance mode, an automated score was calculated to assess if this variant is too frequent to cause the disease. Based on the score and internal cut-off values, a variant classified as benign is not then subjected to further curation. The score for this variant resulted in a classification of benign for this disease.

Illumina Laboratory Services, Illumina
Classification: Benign for Platelet-type bleeding disorder 9. Last evaluated: 2018-01-12. Review status: criteria provided, single submitter. Criteria: ICSL Variant Classification Criteria 13 December 2019. Collection method: clinical testing. Allele origin: germline.
Comment: the same text as in the submission from Illumina Laboratory Services, Illumina above.

Breakthrough Genomics
Classification: Benign. Review status: criteria provided, single submitter. Criteria: ACMG Guidelines, 2015. Collection method: not provided. Allele origin: germline. Inheritance: Autosomal recessive inheritance. Affected: yes.

NM_004531.5(MOCS2):c.*2032G>A

Genes: ITGA2 (integrin subunit alpha 2; plus strand), MOCS2 (molybdenum cofactor synthesis 2; minus strand). Cytogenetic location: 5q11.2.
Variant type: single nucleotide variant.
Coding change: c.*2032G>A on transcript NM_004531.5 (MANE Select); 2032 bases downstream of the stop codon, G replaced by A.
Molecular consequence: 3 prime UTR variant.
Genome position (GRCh38, 1-based): chr5:53,096,570, C>T on the plus strand (G>A on the coding strand, the complement: MOCS2 is on the minus strand). VCF-style: chr5-53096570-C-T. GRCh37 (hg19) VCF-style: chr5-52392400-C-T.
Other names: c.*2519G>A (NM_176806.4).
Identifiers: ClinVar variation 905687 (VCV000905687.7), dbSNP rs75571463, ClinGen allele CA118883115.
Genomic context (GRCh38, chr5:53,096,570, plus strand): 5'-CTCTTCTAGTTACTTGAAGCTAAGTTACAGAGATGATAGAAAAGCTACATATCAGAGTGA[C>T]AGTAGCCCCTTAATATCTGAACCACCAATTAACTCTGCCACTCCTAAGTAAGCAAGGGTC-3'